The following is an entry in ClinVar:

NM_182961.4(SYNE1):c.15767C>G (p.Thr5256Arg)

Gene: SYNE1 (spectrin repeat containing nuclear envelope protein 1; minus strand). Cytogenetic location: 6q25.2.
Variant type: single nucleotide variant.
Coding change: c.15767C>G on transcript NM_182961.4 (MANE Select); coding-DNA position 15767, C replaced by G.
Protein change: p.Thr5256Arg; replaces threonine 5256 with arginine.
Molecular consequence: missense variant.
Genome position (GRCh38, 1-based): chr6:152,323,628, G>C on the plus strand (C>G on the coding strand, the complement: SYNE1 is on the minus strand). VCF-style: chr6-152323628-G-C. GRCh37 (hg19) VCF-style: chr6-152644763-G-C.
Other names: c.15554C>G, p.Thr5185Arg (NM_033071.5); short protein forms T5256R, T5185R.
Identifiers: ClinVar variation 838936 (VCV000838936.9), dbSNP rs1379759625, ClinGen allele CA366090133.

ClinVar aggregate classification (germline): Uncertain significance (1 of 4 stars; one submission).

Conditions:
Emery-Dreifuss muscular dystrophy 4, autosomal dominant (EDMD4). Also called: EMERY-DREIFUSS MUSCULAR DYSTROPHY 4 WITH VARIABLE FEATURES. Identifiers: Orphanet 261, MedGen C2751807, MONDO:0013071, OMIM 612998.
Autosomal recessive ataxia, Beauce type. Also called: Spinocerebellar ataxia, autosomal recessive 8; ATAXIA, RECESSIVE, OF BEAUCE; SYNE1-Related Autosomal Recessive Cerebellar Ataxia; SYNE1 Deficiency. Identifiers: Orphanet 88644, MedGen C1853116, MONDO:0012549, OMIM 610743.

Submission:

Labcorp Genetics (formerly Invitae), Labcorp
Classification: Uncertain significance for Emery-Dreifuss muscular dystrophy 4, autosomal dominant; Autosomal recessive ataxia, Beauce type. Last evaluated: 2019-12-06. Review status: criteria provided, single submitter. Criteria: Invitae Variant Classification Sherloc (09022015). Collection method: clinical testing. Allele origin: germline.
Comment: Algorithms developed to predict the effect of sequence changes on RNA splicing suggest that this variant may create or strengthen a splice site, but this prediction has not been confirmed by published transcriptional studies. In summary, the available evidence is currently insufficient to determine the role of this variant in disease. Therefore, it has been classified as a Variant of Uncertain Significance. Algorithms developed to predict the effect of missense changes on protein structure and function are either unavailable or do not agree on the potential impact of this missense change (SIFT: "Deleterious"; PolyPhen-2: "Possibly Damaging"; Align-GVGD: "Class C15"). This variant has not been reported in the literature in individuals with SYNE1-related conditions. This variant is not present in population databases (ExAC no frequency). This sequence change replaces threonine with arginine at codon 5185 of the SYNE1 protein (p.Thr5185Arg). The threonine residue is highly conserved and there is a moderate physicochemical difference between threonine and arginine.